The following is an entry in ClinVar:

NM_000718.4(CACNA1B):c.2685G>C (p.Glu895Asp)

Gene: CACNA1B (calcium voltage-gated channel subunit alpha1 B; plus strand). Cytogenetic location: 9q34.3.
Variant type: single nucleotide variant.
Coding change: c.2685G>C on transcript NM_000718.4 (MANE Select); coding-DNA position 2685, G replaced by C.
Protein change: p.Glu895Asp; replaces glutamic acid 895 with aspartic acid.
Molecular consequence: missense variant.
Genome position (GRCh38, 1-based): chr9:138,023,428, G>C. VCF-style: chr9-138023428-G-C. GRCh37 (hg19) VCF-style: chr9-140917880-G-C.
Other names: c.2685G>C, p.Glu895Asp (NM_001243812.2); short protein forms E895D.
Identifiers: ClinVar variation 1965584 (VCV001965584.2), dbSNP rs930796886, ClinGen allele CA201830389.

ClinVar aggregate classification (germline): Uncertain significance (1 of 4 stars; one submission).

Allele frequency attached by ClinVar (database versions not stated): gnomAD 0.00001; TOPMed 0.00002; 1000 Genomes Project 30x 0.00031.

Submission:

Labcorp Genetics (formerly Invitae), Labcorp
Classification: Uncertain significance. Last evaluated: 2022-10-03. Review status: criteria provided, single submitter. Criteria: Invitae Variant Classification Sherloc (09022015). Collection method: clinical testing. Allele origin: germline.
Comment: This sequence change replaces glutamic acid, which is acidic and polar, with aspartic acid, which is acidic and polar, at codon 895 of the CACNA1B protein (p.Glu895Asp). The frequency data for this variant in the population databases is considered unreliable, as metrics indicate insufficient coverage at this position in the gnomAD database. This variant has not been reported in the literature in individuals affected with CACNA1B-related conditions. Algorithms developed to predict the effect of missense changes on protein structure and function output the following: SIFT: "Tolerated"; PolyPhen-2: "Benign"; Align-GVGD: "Class C0". The aspartic acid amino acid residue is found in multiple mammalian species, which suggests that this missense change does not adversely affect protein function. In summary, the available evidence is currently insufficient to determine the role of this variant in disease. Therefore, it has been classified as a Variant of Uncertain Significance.